The following is an entry in ClinVar:

NM_001035.3(RYR2):c.1476G>C (p.Glu492Asp)

Gene: RYR2 (ryanodine receptor 2; plus strand). Cytogenetic location: 1q43.
Variant type: single nucleotide variant.
Coding change: c.1476G>C on transcript NM_001035.3 (MANE Select); coding-DNA position 1476, G replaced by C.
Protein change: p.Glu492Asp; replaces glutamic acid 492 with aspartic acid.
Molecular consequence: missense variant.
Genome position (GRCh38, 1-based): chr1:237,454,574, G>C. VCF-style: chr1-237454574-G-C. GRCh37 (hg19) VCF-style: chr1-237617874-G-C.
Other names: short protein forms E492D.
Identifiers: ClinVar variation 4725244 (VCV004725244.1).

ClinVar aggregate classification (germline): Uncertain significance (1 of 4 stars; one submission).

Conditions:
Catecholaminergic polymorphic ventricular tachycardia 1. Also called: RYR2-Related Catecholaminergic Polymorphic Ventricular Tachycardia; VENTRICULAR TACHYCARDIA, STRESS-INDUCED POLYMORPHIC 1; VENTRICULAR TACHYCARDIA, CATECHOLAMINERGIC POLYMORPHIC, 1, WITH OR WITHOUT ATRIAL DYSFUNCTION AND/OR DILATED CARDIOMYOPATHY. Identifiers: Orphanet 3286, MedGen C1631597, MONDO:0011484, OMIM 604772.

Submission:

Labcorp Genetics (formerly Invitae), Labcorp
Classification: Uncertain significance for Catecholaminergic polymorphic ventricular tachycardia 1. Last evaluated: 2025-08-11. Review status: criteria provided, single submitter. Criteria: Invitae Variant Classification Sherloc (09022015). Collection method: clinical testing. Allele origin: germline.
Comment: This sequence change replaces glutamic acid, which is acidic and polar, with aspartic acid, which is acidic and polar, at codon 492 of the RYR2 protein (p.Glu492Asp). This variant also falls at the last nucleotide of exon 15, which is part of the consensus splice site for this exon. This variant is not present in population databases (gnomAD no frequency). This variant has not been reported in the literature in individuals affected with RYR2-related conditions. An algorithm developed to predict the effect of missense changes on protein structure and function (PolyPhen-2) suggests that this variant is likely to be disruptive. Variants that disrupt the consensus splice site are a relatively common cause of aberrant splicing (PMID: 17576681, 9536098). Algorithms developed to predict the effect of sequence changes on RNA splicing suggest that this variant may disrupt the consensus splice site. In summary, the available evidence is currently insufficient to determine the role of this variant in disease. Therefore, it has been classified as a Variant of Uncertain Significance.

Literature cited by the submitters: PubMed 17576681; PubMed 9536098.